The following is an entry in ClinVar:

NM_007194.4(CHEK2):c.-6-20T>C

Gene: CHEK2 (checkpoint kinase 2; minus strand). Cytogenetic location: 22q12.1.
Variant type: single nucleotide variant.
Coding change: c.-6-20T>C on transcript NM_007194.4 (MANE Select); 20 bases into the intron before 6 bases upstream of the start codon, T replaced by C.
Molecular consequence: intron variant.
Genome position (GRCh38, 1-based): chr22:28,734,747, A>G on the plus strand (T>C on the coding strand, the complement: CHEK2 is on the minus strand). VCF-style: chr22-28734747-A-G. GRCh37 (hg19) VCF-style: chr22-29130735-A-G.
Other names: c.-345+7022T>C (NM_001437942.1); c.-6-20T>C (NM_001349956.3, NM_145862.3, NM_001438295.1 and 3 more transcripts); c.-783-20T>C (NM_001257387.3).
Identifiers: ClinVar variation 389170 (VCV000389170.1), dbSNP rs1057523349, ClinGen allele CA16608155.

ClinVar aggregate classification (germline): Likely benign (1 of 4 stars; one submission).

Allele frequency attached by ClinVar (database versions not stated): gnomAD exomes below 0.00001; TOPMed below 0.00001; gnomAD 0.00001.
gnomAD v4.1: 3 of 1,608,556 alleles (0.00019%); highest among the groups gnomAD compares: Non-Finnish European, 0.00026%; no homozygotes.

Submission:

GeneDx
Classification: Likely benign. Last evaluated: 2016-09-07. Review status: criteria provided, single submitter. Criteria: GeneDx Variant Classification (06012015). Collection method: clinical testing. Allele origin: germline. Affected: yes.
Comment: This variant is considered likely benign or benign based on one or more of the following criteria: it is a conservative change, it occurs at a poorly conserved position in the protein, it is predicted to be benign by multiple in silico algorithms, and/or has population frequency not consistent with disease.